The following is an entry in ClinVar:

NM_020988.3(GNAO1):c.723+6952G>A

Gene: GNAO1 (G protein subunit alpha o1; plus strand). Cytogenetic location: 16q13.
Variant type: single nucleotide variant.
Coding change: c.723+6952G>A on transcript NM_020988.3 (MANE Select); 6952 bases into the intron after coding-DNA position 723, G replaced by A.
Molecular consequence: intron variant. On other transcripts: synonymous variant (1).
Genome position (GRCh38, 1-based): chr16:56,343,812, G>A. VCF-style: chr16-56343812-G-A. GRCh37 (hg19) VCF-style: chr16-56377724-G-A.
Other names: c.927G>A, p.Glu309= (NM_138736.3).
Identifiers: ClinVar variation 3058039 (VCV003058039.2), dbSNP rs200899254, ClinGen allele CA8063925.
Genomic context (GRCh38, chr16:56,343,812, plus strand): 5'-TTGCTCTGCAGGCCCCAGCGCCTTCACAGAAGCCGTGGCTTACATCCAGGCCCAGTACGA[G>A]AGCAAGAACAAGTCAGCCCACAAAGAGATCTACACCCACGTCACCTGCGCCACGGACACC-3'

ClinVar aggregate classification (germline): Likely benign (0 of 4 stars; one submission).

Conditions:
GNAO1-related disorder. Also called: GNAO1-related condition; GNAO1-Related Disorders. Identifiers: MedGen CN381308.

Allele frequency attached by ClinVar (database versions not stated): gnomAD exomes 0.00001; TOPMed 0.00002; ExAC 0.00004; gnomAD 0.00004; 1000 Genomes Project 0.00040; 1000 Genomes Project 30x 0.00047.
gnomAD v4.1: 15 of 1,608,494 alleles (0.00093%); highest among the groups gnomAD compares: East Asian, 0.027%; no homozygotes.

Submission:

PreventionGenetics, part of Exact Sciences
Classification: Likely benign for GNAO1-related condition. Last evaluated: 2019-04-15. Review status: no assertion criteria provided. Collection method: clinical testing. Allele origin: germline.
Comment: This variant is classified as likely benign based on ACMG/AMP sequence variant interpretation guidelines (Richards et al. 2015 PMID: 25741868, with internal and published modifications).